The following is an entry in ClinVar:

NM_170606.3(KMT2C):c.4441C>T (p.Arg1481Ter)

Gene: KMT2C (lysine methyltransferase 2C; minus strand). Cytogenetic location: 7q36.1.
Variant type: single nucleotide variant.
Coding change: c.4441C>T on transcript NM_170606.3 (MANE Select); coding-DNA position 4441, C replaced by T.
Protein change: p.Arg1481Ter; replaces arginine 1481 with a stop codon.
Molecular consequence: nonsense.
Genome position (GRCh38, 1-based): chr7:152,194,506, G>A on the plus strand (C>T on the coding strand, the complement: KMT2C is on the minus strand). VCF-style: chr7-152194506-G-A. GRCh37 (hg19) VCF-style: chr7-151891591-G-A.
Other names: NM_170606.2:c.4441C>T(p.Arg1481Ter); short protein forms R1481*.
Identifiers: ClinVar variation 88895 (VCV000088895.4), dbSNP rs587777073, ClinGen allele CA266206.

ClinVar aggregate classification (germline): Pathogenic/Likely pathogenic. Review status: criteria provided, multiple submitters, no conflicts (2 of 4 stars). 5 submissions from 5 submitters: Pathogenic (2); Likely pathogenic (2). 1 of the submissions does not count toward it. Last evaluated 2026-07-09.

Conditions:
Kleefstra syndrome 2 (KLEFS2). Identifiers: MedGen C4540395, MONDO:0054701, OMIM 617768.
KMT2C-related NDD.

gnomAD v4.1: 1 of 1,612,308 alleles (0.000062%); highest among the groups gnomAD compares: Non-Finnish European, 0.000085%; no homozygotes.

Submissions (5):

Institute of Human Genetics, University of Leipzig Medical Center
Classification: Pathogenic for Kleefstra syndrome 2. Last evaluated: 2026-07-09. Review status: criteria provided, single submitter. Criteria: ACMG Guidelines, 2015. Collection method: clinical testing. Allele origin: unknown. Inheritance: Autosomal dominant inheritance. Affected: yes.
Comment: Criteria applied: PVS1,PS4_MOD,PM2_SUP

SIB Swiss Institute of Bioinformatics
Classification: Likely pathogenic for Kleefstra syndrome 2. Last evaluated: 2018-04-16. Review status: criteria provided, single submitter. Criteria: ACMG Guidelines, 2015. Collection method: curation. Allele origin: germline.
Comment: This variant is interpreted as a Likely Pathogenic, for Kleefstra syndrome 2, Autosomal Dominant inheritance. The following ACMG Tag(s) were applied: PM2 => Absent from controls (or at extremely low frequency if recessive) in Exome Sequencing Project, 1000 Genomes Project, or Exome Aggregation Consortium. PVS1-Moderate => PVS1 downgraded in strength to Moderate. PM6 => Assumed de novo, but without confirmation of paternity and maternity.

GeneDx
Classification: Likely pathogenic. Last evaluated: 2017-06-16. Review status: criteria provided, single submitter. Criteria: GeneDx Variant Classification (06012015). Collection method: clinical testing. Allele origin: germline. Affected: yes.
Comment: A variant that is likely pathogenic has been identified in the KMT2C gene. The R1481X variant has been reported previously as apparently de novo in an individual with intellectual disability, hypotonia, behavioral problems, and additional features resembling Kleefstra syndrome (Kleefstra et al., 2012). This variant is a nonsense variant predicted to result in protein truncation or nonsense mediated decay in a gene for which loss-of-function is not a known mechanism of disease. It is not observed in large population cohorts (Lek et al., 2016; 1000 Genomes Consortium et al., 2015; Exome Variant Server). Therefore, the R1481X variant is likely pathogenic; however, the possibility that it is benign cannot be excluded.

Laboratory of Genetics, Children's Clinical University Hospital Latvia
Classification: Pathogenic for KMT2C-related NDD. Review status: criteria provided, single submitter. Criteria: ACMG Guidelines, 2015. Collection method: research. Allele origin: de novo. Affected: yes.

OMIM
Classification: Pathogenic for KLEEFSTRA SYNDROME 2. Last evaluated: 2012-07-13. Review status: no assertion criteria provided. Collection method: literature only. Allele origin: germline. Not counted in ClinVar's aggregate classification.

Literature cited by the submitters: PubMed 22726846 (cited by SIB Swiss Institute of Bioinformatics and OMIM); PubMed 39013459 (cited by Laboratory of Genetics, Children's Clinical University Hospital Latvia).